The following is an entry in ClinVar:

ClinVar aggregate classification (germline): Uncertain significance (1 of 4 stars; one submission).

Submission:

Labcorp Genetics (formerly Invitae), Labcorp
Classification: Uncertain significance. Last evaluated: 2025-07-30. Review status: criteria provided, single submitter. Criteria: Invitae Variant Classification Sherloc (09022015). Collection method: clinical testing. Allele origin: germline.
Comment: This sequence change affects a donor splice site in intron 8 of the CAPN5 gene. It is expected to disrupt RNA splicing. Variants that disrupt the donor or acceptor splice site typically lead to a loss of protein function (PMID: 16199547), however the current clinical and genetic evidence is not sufficient to establish whether loss-of-function variants in CAPN5 cause disease. This variant is not present in population databases (gnomAD no frequency). This variant has not been reported in the literature in individuals affected with CAPN5-related conditions. Algorithms developed to predict the effect of sequence changes on RNA splicing suggest that this variant may disrupt the consensus splice site. In summary, the available evidence is currently insufficient to determine the role of this variant in disease. Therefore, it has been classified as a Variant of Uncertain Significance.

Literature cited by the submitters: PubMed 16199547.

NM_004055.5(CAPN5):c.1167+1G>T

Gene: CAPN5 (calpain 5; plus strand). Cytogenetic location: 11q13.5.
Variant type: single nucleotide variant.
Coding change: c.1167+1G>T on transcript NM_004055.5 (MANE Select); the canonical splice donor site of the intron after coding-DNA position 1167, G replaced by T.
Molecular consequence: splice donor variant.
Genome position (GRCh38, 1-based): chr11:77,118,353, G>T. VCF-style: chr11-77118353-G-T. GRCh37 (hg19) VCF-style: chr11-76829399-G-T.
Other names: c.1167+1G>T (NM_001425322.1); c.1287+1G>T (NM_001425321.1); c.1035+1G>T (NM_001425323.1).
Identifiers: ClinVar variation 4803615 (VCV004803615.1).
Genomic context (GRCh38, chr11:77,118,353, plus strand): 5'-CGACAGAACCGCGGTGGCGGCTGCATCAACCACAAGGACACCTTCTTCCAGAACCCACAG[G>T]TGGGCGTTCTCAGGAACCCCCACCCTGCCCTGTAGCAGCTGCGGGGTGCCTTGCCACTGT-3'